The following is an entry in ClinVar:

NM_014946.4(SPAST):c.685del (p.Ser229fs)

Gene: SPAST (spastin; plus strand). Cytogenetic location: 2p22.3.
Variant type: Deletion.
Coding change: c.685del on transcript NM_014946.4 (MANE Select); coding-DNA position 685, one base deleted (A; older notation c.685delA).
Protein change: p.Ser229fs; shifts the reading frame from serine 229.
Molecular consequence: frameshift variant.
Genome position (GRCh38, 1-based): chr2:32,114,640, A deleted; the last of 3 consecutive A bases (chr2:32,114,638-32,114,640); deleting any one gives the same sequence. VCF-style (leftmost placement, unchanged base first): chr2-32114637-GA-G. GRCh37 (hg19) VCF-style: chr2-32339706-GA-G.
Other names: c.682del, p.Ser228fs (NM_001363823.2); c.586del, p.Ser196fs (NM_001363875.2); c.589del, p.Ser197fs (NM_001377959.1, NM_199436.2); short protein forms S197fs, S229fs, S196fs, S228fs.
Identifiers: ClinVar variation 4715282 (VCV004715282.1).

ClinVar aggregate classification (germline): Pathogenic (1 of 4 stars; one submission).

Conditions:
Hereditary spastic paraplegia 4. Also called: Familial spastic paraplegia autosomal dominant 2; Spastic paraplegia 4, autosomal dominant; Spastic Paraplegia 4. Identifiers: Orphanet 100985, MedGen C1866855, MONDO:0008438, OMIM 182601.

Submission:

Labcorp Genetics (formerly Invitae), Labcorp
Classification: Pathogenic for Hereditary spastic paraplegia 4. Last evaluated: 2025-03-17. Review status: criteria provided, single submitter. Criteria: Invitae Variant Classification Sherloc (09022015). Collection method: clinical testing. Allele origin: germline.
Comment: This sequence change creates a premature translational stop signal (p.Ser229Valfs*11) in the SPAST gene. It is expected to result in an absent or disrupted protein product. Loss-of-function variants in SPAST are known to be pathogenic (PMID: 20932283). This variant is not present in population databases (gnomAD no frequency). This variant has not been reported in the literature in individuals affected with SPAST-related conditions. Algorithms developed to predict the effect of sequence changes on RNA splicing suggest that this variant may disrupt the consensus splice site. For these reasons, this variant has been classified as Pathogenic.

Literature cited by the submitters: PubMed 20932283.